The following is an entry in ClinVar:

ClinVar aggregate classification (germline): Uncertain significance (1 of 4 stars; one submission).

Submission:

Labcorp Genetics (formerly Invitae), Labcorp
Classification: Uncertain significance. Last evaluated: 2022-08-13. Review status: criteria provided, single submitter. Criteria: Invitae Variant Classification Sherloc (09022015). Collection method: clinical testing. Allele origin: germline.
Comment: This sequence change replaces arginine, which is basic and polar, with glutamine, which is neutral and polar, at codon 127 of the ACAD9 protein (p.Arg127Gln). Information on the frequency of this variant in the gnomAD database is not available, as this variant may be reported differently in the database. This missense change has been observed in individual(s) with mitochondrial complex 1 deficiency (PMID: 20929961). In at least one individual the data is consistent with being in trans (on the opposite chromosome) from a pathogenic variant. Algorithms developed to predict the effect of missense changes on protein structure and function are either unavailable or do not agree on the potential impact of this missense change (SIFT: "Not Available"; PolyPhen-2: "Probably Damaging"; Align-GVGD: "Not Available"). Experimental studies have shown that this missense change affects ACAD9 function (PMID: 25721401). In summary, the available evidence is currently insufficient to determine the role of this variant in disease. Therefore, it has been classified as a Variant of Uncertain Significance.

Literature cited by the submitters: PubMed 20929961; PubMed 25721401.

NM_014049.5(ACAD9):c.379_380delinsCA (p.Arg127Gln)

Gene: ACAD9 (acyl-CoA dehydrogenase family member 9; plus strand). Cytogenetic location: 3q21.3.
Variant type: Indel.
Coding change: c.379_380delinsCA on transcript NM_014049.5 (MANE Select); coding-DNA positions 379 to 380, AG replaced by CA.
Protein change: p.Arg127Gln; replaces arginine 127 with glutamine.
Molecular consequence: missense variant. On other transcripts: non-coding transcript variant (1).
Genome position (GRCh38, 1-based): chr3:128,895,342-128,895,343, AG replaced by CA. VCF-style: chr3-128895342-AG-CA. GRCh37 (hg19) VCF-style: chr3-128614185-AG-CA.
Other names: c.10_11delAGinsCA, p.Arg4Gln (NM_001410805.1); short protein forms R127Q, R4Q.
Identifiers: ClinVar variation 2109163 (VCV002109163.4), dbSNP rs2529255242, ClinGen allele CA2580068694.